The following is an entry in ClinVar:

ClinVar aggregate classification (germline): Uncertain significance (1 of 4 stars; one submission).

Conditions:
MHC class II deficiency. Also called: Bare lymphocyte syndrome 2; BLS, TYPE II. Identifiers: Orphanet 572, MedGen C5447452, MONDO:0008855.

Allele frequency attached by ClinVar (database versions not stated): ExAC 0.00001.
gnomAD v4.1: 2 of 1,564,376 alleles (0.00013%); highest among the groups gnomAD compares: East Asian, 0.0045%; no homozygotes.

Submission:

Labcorp Genetics (formerly Invitae), Labcorp
Classification: Uncertain significance for MHC class II deficiency. Last evaluated: 2022-02-03. Review status: criteria provided, single submitter. Criteria: Invitae Variant Classification Sherloc (09022015). Collection method: clinical testing. Allele origin: germline.
Comment: This sequence change replaces alanine, which is neutral and non-polar, with proline, which is neutral and non-polar, at codon 819 of the CIITA protein (p.Ala819Pro). This variant is present in population databases (rs762247991, gnomAD 0.006%). This variant has not been reported in the literature in individuals affected with CIITA-related conditions. Algorithms developed to predict the effect of missense changes on protein structure and function output the following: SIFT: "Tolerated"; PolyPhen-2: "Benign"; Align-GVGD: "Class C0". The proline amino acid residue is found in multiple mammalian species, which suggests that this missense change does not adversely affect protein function. In summary, the available evidence is currently insufficient to determine the role of this variant in disease. Therefore, it has been classified as a Variant of Uncertain Significance.

NM_000246.4(CIITA):c.2455G>C (p.Ala819Pro)

Gene: CIITA (class II major histocompatibility complex transactivator; plus strand). Cytogenetic location: 16p13.13.
Variant type: single nucleotide variant.
Coding change: c.2455G>C on transcript NM_000246.4 (MANE Select); coding-DNA position 2455, G replaced by C.
Protein change: p.Ala819Pro; replaces alanine 819 with proline.
Molecular consequence: missense variant. On other transcripts: intron variant (1).
Genome position (GRCh38, 1-based): chr16:10,907,947, G>C. VCF-style: chr16-10907947-G-C. GRCh37 (hg19) VCF-style: chr16-11001804-G-C.
Other names: c.2458G>C, p.Ala820Pro (NM_001286402.1, NM_001379332.1); c.2311G>C, p.Ala771Pro (NM_001379330.1); c.2308G>C, p.Ala770Pro (NM_001379331.1); c.2455G>C, p.Ala819Pro (NM_001379333.1); c.2386G>C, p.Ala796Pro (NM_001379334.1); c.860-1036G>C (NM_001286403.2); short protein forms A771P, A820P, A796P, A770P, A819P.
Identifiers: ClinVar variation 2157471 (VCV002157471.1), dbSNP rs762247991, ClinGen allele CA7900381.